The following is an entry in ClinVar:

ClinVar aggregate classification (germline): Uncertain significance. Review status: criteria provided, multiple submitters, no conflicts (2 of 4 stars). 2 submissions from 2 submitters: Uncertain significance (2). Last evaluated 2025-05-18.

Conditions:
Inborn genetic diseases. Identifiers: MedGen C0950123, MeSH D030342.
Lysinuric protein intolerance (LPI). Identifiers: Orphanet 470, MedGen C0268647, MONDO:0009109, OMIM 222700.

Allele frequency attached by ClinVar (database versions not stated): ExAC 0.00001; gnomAD 0.00001; gnomAD exomes 0.00001; TOPMed 0.00002.

Submissions (2):

Ambry Genetics
Classification: Uncertain significance for Inborn genetic diseases. Last evaluated: 2025-05-18. Review status: criteria provided, single submitter. Criteria: Ambry Variant Classification Scheme 2023. Collection method: clinical testing. Allele origin: germline.

Labcorp Genetics (formerly Invitae), Labcorp
Classification: Uncertain significance for Lysinuric protein intolerance. Last evaluated: 2022-03-24. Review status: criteria provided, single submitter. Criteria: Invitae Variant Classification Sherloc (09022015). Collection method: clinical testing. Allele origin: germline.
Comment: This sequence change replaces leucine, which is neutral and non-polar, with phenylalanine, which is neutral and non-polar, at codon 472 of the SLC7A7 protein (p.Leu472Phe). This variant is present in population databases (rs750157685, gnomAD 0.02%). This variant has not been reported in the literature in individuals affected with SLC7A7-related conditions. Algorithms developed to predict the effect of missense changes on protein structure and function are either unavailable or do not agree on the potential impact of this missense change (SIFT: "Deleterious"; PolyPhen-2: "Benign"; Align-GVGD: "Class C0"). In summary, the available evidence is currently insufficient to determine the role of this variant in disease. Therefore, it has been classified as a Variant of Uncertain Significance.

NM_003982.4(SLC7A7):c.1414C>T (p.Leu472Phe)

Gene: SLC7A7 (solute carrier family 7 member 7; minus strand). Cytogenetic location: 14q11.2.
Variant type: single nucleotide variant.
Coding change: c.1414C>T on transcript NM_003982.4 (MANE Select); coding-DNA position 1414, C replaced by T.
Protein change: p.Leu472Phe; replaces leucine 472 with phenylalanine.
Molecular consequence: missense variant.
Genome position (GRCh38, 1-based): chr14:22,773,948, G>A on the plus strand (C>T on the coding strand, the complement: SLC7A7 is on the minus strand). VCF-style: chr14-22773948-G-A. GRCh37 (hg19) VCF-style: chr14-23243157-G-A.
Other names: c.1414C>T, p.Leu472Phe (NM_001126105.3, NM_001126106.4); short protein forms L472F.
Identifiers: ClinVar variation 2199022 (VCV002199022.2), dbSNP rs750157685, ClinGen allele CA7104397.
Genomic context (GRCh38, chr14:22,773,948, plus strand): 5'-CCAAGCTCTGCAATAGCTGAGCGGACTTAAGGATGCACGGCTTACCCACGATCCTTCGGA[G>A]GTAAAGCGGTCGCTTATGTTCTGGCACTCTGATGATGAGGAAGTAAAAGGGCAGGCCTGA-3'
Protein context (NP_003973.3, residues 462-482): RVPEHKRPLY[Leu472Phe]RRIVGSATRY